The following is an entry in ClinVar:

ClinVar aggregate classification (germline): Uncertain significance (1 of 4 stars; one submission).

Conditions:
Hereditary cancer-predisposing syndrome. Also called: Neoplastic Syndromes, Hereditary; Tumor predisposition; Hereditary neoplastic syndrome; Hereditary Cancer Syndrome. Identifiers: Orphanet 140162, MedGen C0027672, MeSH D009386, MONDO:0015356.

Submission:

Ambry Genetics
Classification: Uncertain significance for Hereditary cancer-predisposing syndrome. Last evaluated: 2026-07-06. Review status: criteria provided, single submitter. Criteria: Ambry Variant Classification Scheme 2023. Collection method: clinical testing. Allele origin: germline.
Comment: The p.R713G variant (also known as c.2137C>G), located in coding exon 17 of the BAP1 gene, results from a C to G substitution at nucleotide position 2137. The arginine at codon 713 is replaced by glycine, an amino acid with dissimilar properties. This amino acid position is conserved. In addition, this alteration is predicted to be tolerated by in silico analysis. Based on the available evidence, the clinical significance of this variant remains unclear.

NM_004656.4(BAP1):c.2137C>G (p.Arg713Gly)

Gene: BAP1 (BRCA1 associated deubiquitinase 1; minus strand). Cytogenetic location: 3p21.1.
Variant type: single nucleotide variant.
Coding change: c.2137C>G on transcript NM_004656.4 (MANE Select); coding-DNA position 2137, C replaced by G.
Protein change: p.Arg713Gly; replaces arginine 713 with glycine.
Molecular consequence: missense variant.
Genome position (GRCh38, 1-based): chr3:52,402,341, G>C on the plus strand (C>G on the coding strand, the complement: BAP1 is on the minus strand). VCF-style: chr3-52402341-G-C. GRCh37 (hg19) VCF-style: chr3-52436357-G-C.
Other names: c.2083C>G, p.Arg695Gly (NM_001410772.1); short protein forms R695G, R713G.
Identifiers: ClinVar variation 5032721 (VCV005032721.1).